The following is an entry in ClinVar:

ClinVar aggregate classification (germline): Uncertain significance (1 of 4 stars; one submission).

Submission:

Ambry Genetics
Classification: Uncertain significance. Last evaluated: 2025-04-06. Review status: criteria provided, single submitter. Criteria: Ambry Variant Classification Scheme 2023. Collection method: clinical testing. Allele origin: germline.
Comment: The p.P29S variant (also known as c.85C>T), located in coding exon 1 of the ATRIP gene, results from a C to T substitution at nucleotide position 85. The proline at codon 29 is replaced by serine, an amino acid with similar properties. This amino acid position is conserved. In addition, the in silico prediction for this alteration is inconclusive. Based on the available evidence, the clinical significance of this variant remains unclear.

NM_130384.3(ATRIP):c.85C>T (p.Pro29Ser)

Genes: ATRIP (ATR interacting protein; plus strand), ATRIP-TREX1 (ATRIP-TREX1 readthrough; plus strand), LOC129936703 (ATAC-STARR-seq lymphoblastoid silent region 14331; plus strand). Cytogenetic location: 3p21.31.
Variant type: single nucleotide variant.
Coding change: c.85C>T on transcript NM_130384.3 (MANE Select); coding-DNA position 85, C replaced by T.
Protein change: p.Pro29Ser; replaces proline 29 with serine.
Molecular consequence: missense variant. On other transcripts: non-coding transcript variant (1), intron variant (1).
Genome position (GRCh38, 1-based): chr3:48,446,930, C>T. VCF-style: chr3-48446930-C-T. GRCh37 (hg19) VCF-style: chr3-48488334-C-T.
Other names: c.85C>T, p.Pro29Ser (NM_032166.4); c.-218+131C>T (NM_001271022.2); short protein forms P29S.
Identifiers: ClinVar variation 3976005 (VCV003976005.1).
Genomic context (GRCh38, chr3:48,446,930, plus strand): 5'-AGCAAGAGGCGGAGCGAGCCCCCGGCGCCTCGCCCCGGCCCGCCGCCGGGCACCGGGCAC[C>T]CCCCGAGCAAGCGGGCCCGGGGCTTCTCCGCAGCCGCTGCCCCGGACCCTGACGACCCGT-3'
Protein context (NP_569055.1, residues 19-39): RPGPPPGTGH[Pro29Ser]PSKRARGFSA